The following is an entry in ClinVar:

NM_177438.3(DICER1):c.3323T>C (p.Ile1108Thr)

Gene: DICER1 (dicer 1, ribonuclease III; minus strand). Cytogenetic location: 14q32.13.
Variant type: single nucleotide variant.
Coding change: c.3323T>C on transcript NM_177438.3 (MANE Select); coding-DNA position 3323, T replaced by C.
Protein change: p.Ile1108Thr; replaces isoleucine 1108 with threonine.
Molecular consequence: missense variant.
Genome position (GRCh38, 1-based): chr14:95,104,073, A>G on the plus strand (T>C on the coding strand, the complement: DICER1 is on the minus strand). VCF-style: chr14-95104073-A-G. GRCh37 (hg19) VCF-style: chr14-95570410-A-G.
Other names: c.3323T>C, p.Ile1108Thr (NM_001271282.3, NM_001291628.2, NM_030621.4 and 1 more transcripts); short protein forms I1108T.
Identifiers: ClinVar variation 1481998 (VCV001481998.10), dbSNP rs2139971077, ClinGen allele CA390875906.
Genomic context (GRCh38, chr14:95,104,073, plus strand): 5'-ACAATTGTGCTGTGCTTACAGTAATTATCATTTTCAGCTGAAGAGGAGTTAGAAATTGAG[A>G]TGAAAGATTTGCTGTCAATAGATTTTTTCCACCCGAAGTCTAAGTTAGGGTATCTGCAAA-3'
Protein context (NP_803187.1, residues 1098-1118): WKKSIDSKSF[Ile1108Thr]SISNSSSAEN

ClinVar aggregate classification (germline): Uncertain significance. Review status: criteria provided, multiple submitters, no conflicts (2 of 4 stars). 2 submissions from 2 submitters: Uncertain significance (2). Last evaluated 2025-03-12.

Conditions:
Hereditary cancer-predisposing syndrome. Also called: Hereditary neoplastic syndrome; Tumor predisposition; Neoplastic Syndromes, Hereditary; Hereditary Cancer Syndrome. Identifiers: Orphanet 140162, MedGen C0027672, MeSH D009386, MONDO:0015356.
DICER1-related tumor predisposition. Also called: DICER1-related pleuropulmonary blastoma cancer predisposition syndrome; DICER1 syndrome. Identifiers: Orphanet 284343, MedGen C3839822, MONDO:0100216.

Submissions (2):

Labcorp Genetics (formerly Invitae), Labcorp
Classification: Uncertain significance for DICER1-related tumor predisposition. Last evaluated: 2025-03-12. Review status: criteria provided, single submitter. Criteria: Invitae Variant Classification Sherloc (09022015). Collection method: clinical testing. Allele origin: germline.
Comment: This sequence change replaces isoleucine, which is neutral and non-polar, with threonine, which is neutral and polar, at codon 1108 of the DICER1 protein (p.Ile1108Thr). This variant is not present in population databases (gnomAD no frequency). This variant has not been reported in the literature in individuals affected with DICER1-related conditions. ClinVar contains an entry for this variant (Variation ID: 1481998). Invitae Evidence Modeling of protein sequence and biophysical properties (such as structural, functional, and spatial information, amino acid conservation, physicochemical variation, residue mobility, and thermodynamic stability) indicates that this missense variant is not expected to disrupt DICER1 protein function with a negative predictive value of 95%. In summary, the available evidence is currently insufficient to determine the role of this variant in disease. Therefore, it has been classified as a Variant of Uncertain Significance.

Ambry Genetics
Classification: Uncertain significance for Hereditary cancer-predisposing syndrome. Last evaluated: 2024-10-03. Review status: criteria provided, single submitter. Criteria: Ambry Variant Classification Scheme 2023. Collection method: clinical testing. Allele origin: germline.
Comment: The p.I1108T variant (also known as c.3323T>C), located in coding exon 20 of the DICER1 gene, results from a T to C substitution at nucleotide position 3323. The isoleucine at codon 1108 is replaced by threonine, an amino acid with similar properties. This amino acid position is highly conserved in available vertebrate species. In addition, the in silico prediction for this alteration is inconclusive. Since supporting evidence is limited at this time, the clinical significance of this alteration remains unclear.